The following is an entry in ClinVar:

ClinVar aggregate classification (germline): Likely pathogenic (1 of 4 stars; one submission).

Conditions:
Cohen syndrome (COH1). Also called: PEPPER SYNDROME; Cutis verticis gyrata, retinitis pigmentosa, and sensorineural deafness. Identifiers: Orphanet 193, MedGen C0265223, MONDO:0008999, OMIM 216550.

Submission:

Natera, Inc.
Classification: Likely pathogenic for Cohen syndrome. Last evaluated: 2025-07-14. Review status: criteria provided, single submitter. Criteria: Natera Variant Classification Schema (03/2026). Collection method: clinical testing. Allele origin: germline.
Comment: The c.1708C>T variant in VPS13B is a nonsense variant predicted to introduce a stop codon at amino acid 570. This variant is expected to result in nonsense mediated decay, truncation, or a dysfunctional protein product. This variant is rare in the general population with a frequency below the threshold expected for the associated phenotype(s). Given the available evidence, this variant is classified as Likely Pathogenic.

NM_152564.5(VPS13B):c.1708C>T (p.Gln570Ter)

Gene: VPS13B (vacuolar protein sorting 13 homolog B; plus strand). Cytogenetic location: 8q22.2.
Variant type: single nucleotide variant.
Coding change: c.1708C>T on transcript NM_152564.5 (MANE Select); coding-DNA position 1708, C replaced by T.
Protein change: p.Gln570Ter; replaces glutamine 570 with a stop codon.
Molecular consequence: nonsense.
Genome position (GRCh38, 1-based): chr8:99,143,030, C>T. VCF-style: chr8-99143030-C-T. GRCh37 (hg19) VCF-style: chr8-100155258-C-T.
Other names: c.1708C>T, p.Gln570Ter (NM_015243.3, NM_017890.5); short protein forms Q570*.
Identifiers: ClinVar variation 4815938 (VCV004815938.1).